The following is an entry in ClinVar:

NM_001312909.2(FAM111A):c.1454G>C (p.Cys485Ser)

Gene: FAM111A (FAM111 trypsin like peptidase A; plus strand). Cytogenetic location: 11q12.1.
Variant type: single nucleotide variant.
Coding change: c.1454G>C on transcript NM_001312909.2 (MANE Select); coding-DNA position 1454, G replaced by C.
Protein change: p.Cys485Ser; replaces cysteine 485 with serine.
Molecular consequence: missense variant.
Genome position (GRCh38, 1-based): chr11:59,153,122, G>C. VCF-style: chr11-59153122-G-C. GRCh37 (hg19) VCF-style: chr11-58920595-G-C.
Other names: c.1454G>C, p.Cys485Ser (NM_001142519.3, NM_001142520.3, NM_001142521.3 and 29 more transcripts); short protein forms C485S.
Identifiers: ClinVar variation 1311654 (VCV001311654.2), dbSNP rs2135487872, ClinGen allele CA380785300.
Genomic context (GRCh38, chr11:59,153,122, plus strand): 5'-TTAGTGGGTTGATACATATTATTGGCCATCCATATGGAGAAAAAAAGCAGATTGATGCTT[G>C]TGCTGTGATCCCTCAGGGTCAGCGAGCAAAGAAATGTCAGGAACGTGTTCAGTCTAAAAA-3'
Protein context (NP_001299838.1, residues 475-495): PYGEKKQIDA[Cys485Ser]AVIPQGQRAK

ClinVar aggregate classification (germline): Uncertain significance (1 of 4 stars; one submission).

Submission:

GeneDx
Classification: Uncertain significance. Last evaluated: 2019-12-23. Review status: criteria provided, single submitter. Criteria: GeneDx Variant Classification Process June 2021. Collection method: clinical testing. Allele origin: germline. Affected: yes.
Comment: Has not been previously published as pathogenic or benign to our knowledge; Not observed in large population cohorts (Lek et al., 2016); In silico analysis, which includes protein predictors and evolutionary conservation, supports a deleterious effect